The following is an entry in ClinVar:

ClinVar aggregate classification (germline): Uncertain significance (1 of 4 stars; one submission).

Conditions:
Hereditary cancer-predisposing syndrome. Also called: Tumor predisposition; Hereditary Cancer Syndrome; Neoplastic Syndromes, Hereditary; Hereditary neoplastic syndrome. Identifiers: Orphanet 140162, MedGen C0027672, MeSH D009386, MONDO:0015356.

Submission:

Ambry Genetics
Classification: Uncertain significance for Hereditary cancer-predisposing syndrome. Last evaluated: 2024-04-16. Review status: criteria provided, single submitter. Criteria: Ambry Variant Classification Scheme 2023. Collection method: clinical testing. Allele origin: germline.
Comment: The p.R1005P variant (also known as c.3014G>C), located in coding exon 13 of the MET gene, results from a G to C substitution at nucleotide position 3014. The arginine at codon 1005 is replaced by proline, an amino acid with dissimilar properties. This amino acid position is highly conserved in available vertebrate species. In addition, the in silico prediction for this alteration is inconclusive. Since supporting evidence is limited at this time, the clinical significance of this alteration remains unclear.

NM_000245.4(MET):c.2960G>C (p.Arg987Pro)

Gene: MET (MET proto-oncogene, receptor tyrosine kinase; plus strand). Cytogenetic location: 7q31.2.
Variant type: single nucleotide variant.
Coding change: c.2960G>C on transcript NM_000245.4 (MANE Select); coding-DNA position 2960, G replaced by C.
Protein change: p.Arg987Pro; replaces arginine 987 with proline.
Molecular consequence: missense variant.
Genome position (GRCh38, 1-based): chr7:116,771,921, G>C. VCF-style: chr7-116771921-G-C. GRCh37 (hg19) VCF-style: chr7-116411975-G-C.
Other names: c.3014G>C, p.Arg1005Pro (NM_001127500.3); c.1670G>C, p.Arg557Pro (NM_001324402.2); short protein forms R987P, R557P, R1005P.
Identifiers: ClinVar variation 822593 (VCV000822593.5), dbSNP rs910937816, ClinGen allele CA368987216.